The following is an entry in ClinVar:

ClinVar aggregate classification (germline): Uncertain significance. Review status: criteria provided, multiple submitters, no conflicts (2 of 4 stars). 3 submissions from 3 submitters: Uncertain significance (3). Last evaluated 2021-10-06.

Conditions:
Primary ciliary dyskinesia. Also called: Ciliary dyskinesia. Identifiers: Orphanet 244, MedGen C0008780, MONDO:0016575, HP:0012265.
Primary ciliary dyskinesia 13. Also called: CILIARY DYSKINESIA, PRIMARY, 13, WITH OR WITHOUT SITUS INVERSUS. Identifiers: Orphanet 244, MedGen C2750790, MONDO:0013174, OMIM 613193.

Allele frequency attached by ClinVar (database versions not stated): TOPMed 0.00003; ExAC 0.00004; ESP Exome Variant Server 0.00015.
gnomAD v4.1: 53 of 1,613,454 alleles (0.0033%); highest among the groups gnomAD compares: Non-Finnish European, 0.0044%; no homozygotes.

Submissions (3):

MGZ Medical Genetics Center
Classification: Uncertain significance for Primary ciliary dyskinesia 13. Last evaluated: 2021-10-06. Review status: criteria provided, single submitter. Criteria: ACMG Guidelines, 2015. Collection method: clinical testing. Allele origin: germline. Affected: yes. Observed: 1 variant allele.
Comment: ACMG criteria applied: PM2_SUP, PM3_SUP, PP4

Labcorp Genetics (formerly Invitae), Labcorp
Classification: Uncertain significance for Primary ciliary dyskinesia. Last evaluated: 2019-05-07. Review status: criteria provided, single submitter. Criteria: Invitae Variant Classification Sherloc (09022015). Collection method: clinical testing. Allele origin: germline.
Comment: In summary, the available evidence is currently insufficient to determine the role of this variant in disease. Therefore, it has been classified as a Variant of Uncertain Significance. Algorithms developed to predict the effect of missense changes on protein structure and function (SIFT, PolyPhen-2, Align-GVGD) all suggest that this variant is likely to be disruptive, but these predictions have not been confirmed by published functional studies and their clinical significance is uncertain. This variant has not been reported in the literature in individuals with DNAAF1-related disease. ClinVar contains an entry for this variant (Variation ID: 493193). This variant is present in population databases (rs373103805, ExAC 0.007%). This sequence change replaces asparagine with lysine at codon 255 of the DNAAF1 protein (p.Asn255Lys). The asparagine residue is highly conserved and there is a moderate physicochemical difference between asparagine and lysine.

CeGaT Center for Human Genetics Tuebingen
Classification: Uncertain significance. Last evaluated: 2017-09-01. Review status: criteria provided, single submitter. Criteria: CeGaT Center For Human Genetics Tuebingen Variant Classification Criteria Version 2. Collection method: clinical testing. Allele origin: germline. Affected: yes. Observed: 1 variant allele.

NM_178452.6(DNAAF1):c.765C>G (p.Asn255Lys)

Gene: DNAAF1 (dynein axonemal assembly factor 1; plus strand). Cytogenetic location: 16q24.1.
Variant type: single nucleotide variant.
Coding change: c.765C>G on transcript NM_178452.6 (MANE Select); coding-DNA position 765, C replaced by G.
Protein change: p.Asn255Lys; replaces asparagine 255 with lysine.
Molecular consequence: missense variant.
Genome position (GRCh38, 1-based): chr16:84,159,698, C>G. VCF-style: chr16-84159698-C-G. GRCh37 (hg19) VCF-style: chr16-84193303-C-G.
Other names: c.9C>G, p.Asn3Lys (NM_001318756.1); short protein forms N255K, N3K.
Identifiers: ClinVar variation 493193 (VCV000493193.49), dbSNP rs373103805, ClinGen allele CA8202621.
Genomic context (GRCh38, chr16:84,159,698, plus strand): 5'-TTCAGTAATCATTTTGGTTCTGCTTGTCTTCTTGCAGCGTGTACTGAATTTGATGGGAAA[C>G]CCGGTTATCAGACAGATTCCTAATTACAGAAGGACAGTCACTGTACGACTAAAGCACTTA-3'
Protein context (NP_848547.4, residues 245-265): PDLRVLNLMG[Asn255Lys]PVIRQIPNYR